The following is an entry in ClinVar:

NM_152618.3(BBS12):c.1047G>T (p.Leu349Phe)

Gene: BBS12 (Bardet-Biedl syndrome 12; plus strand). Cytogenetic location: 4q27.
Variant type: single nucleotide variant.
Coding change: c.1047G>T on transcript NM_152618.3 (MANE Select); coding-DNA position 1047, G replaced by T.
Protein change: p.Leu349Phe; replaces leucine 349 with phenylalanine.
Molecular consequence: missense variant.
Genome position (GRCh38, 1-based): chr4:122,742,939, G>T. VCF-style: chr4-122742939-G-T. GRCh37 (hg19) VCF-style: chr4-123664094-G-T.
Other names: c.1047G>T, p.Leu349Phe (NM_001178007.2); short protein forms L349F.
Identifiers: ClinVar variation 3346796 (VCV003346796.1).

ClinVar aggregate classification (germline): Uncertain significance (0 of 4 stars; one submission).

Conditions:
BBS12-related disorder. Also called: BBS12-related condition.

Submission:

PreventionGenetics, part of Exact Sciences
Classification: Uncertain significance for BBS12-related condition. Last evaluated: 2024-05-23. Review status: no assertion criteria provided. Collection method: clinical testing. Allele origin: germline.
Comment: The BBS12 c.1047G>T variant is predicted to result in the amino acid substitution p.Leu349Phe. To our knowledge, this variant has not been reported in the literature or in a large population database, indicating this variant is rare. At this time, the clinical significance of this variant is uncertain due to the absence of conclusive functional and genetic evidence.